The following is an entry in ClinVar:

ClinVar aggregate classification (germline): Uncertain significance (1 of 4 stars; one submission).

Allele frequency attached by ClinVar (database versions not stated): ExAC 0.00002; gnomAD exomes 0.00002.

Submission:

Labcorp Genetics (formerly Invitae), Labcorp
Classification: Uncertain significance. Last evaluated: 2026-01-19. Review status: criteria provided, single submitter. Criteria: Invitae Variant Classification Sherloc (09022015). Collection method: clinical testing. Allele origin: germline.
Comment: This sequence change replaces threonine, which is neutral and polar, with serine, which is neutral and polar, at codon 178 of the RXYLT1 protein (p.Thr178Ser). This variant is present in population databases (rs755132657, gnomAD 0.009%). This variant has not been reported in the literature in individuals affected with RXYLT1-related conditions. ClinVar contains an entry for this variant (Variation ID: 578015). Invitae Evidence Modeling of protein sequence and biophysical properties (such as structural, functional, and spatial information, amino acid conservation, physicochemical variation, residue mobility, and thermodynamic stability) indicates that this missense variant is not expected to disrupt RXYLT1 protein function with a negative predictive value of 80%. In summary, the available evidence is currently insufficient to determine the role of this variant in disease. Therefore, it has been classified as a Variant of Uncertain Significance.

NM_014254.3(RXYLT1):c.533C>G (p.Thr178Ser)

Gene: RXYLT1 (ribitol xylosyltransferase 1; plus strand). Cytogenetic location: 12q14.2.
Variant type: single nucleotide variant.
Coding change: c.533C>G on transcript NM_014254.3 (MANE Select); coding-DNA position 533, C replaced by G.
Protein change: p.Thr178Ser; replaces threonine 178 with serine.
Molecular consequence: missense variant. On other transcripts: 5 prime UTR variant (1).
Genome position (GRCh38, 1-based): chr12:63,802,195, C>G. VCF-style: chr12-63802195-C-G. GRCh37 (hg19) VCF-style: chr12-64195975-C-G.
Other names: c.-248C>G (NM_001278237.2); short protein forms T178S.
Identifiers: ClinVar variation 578015 (VCV000578015.7), dbSNP rs755132657, ClinGen allele CA6666127.